The following is an entry in ClinVar:

NM_017617.5(NOTCH1):c.5395A>C (p.Asn1799His)

Gene: NOTCH1 (notch receptor 1; minus strand). Cytogenetic location: 9q34.3.
Variant type: single nucleotide variant.
Coding change: c.5395A>C on transcript NM_017617.5 (MANE Select); coding-DNA position 5395, A replaced by C.
Protein change: p.Asn1799His; replaces asparagine 1799 with histidine.
Molecular consequence: missense variant.
Genome position (GRCh38, 1-based): chr9:136,502,078, T>G on the plus strand (A>C on the coding strand, the complement: NOTCH1 is on the minus strand). VCF-style: chr9-136502078-T-G. GRCh37 (hg19) VCF-style: chr9-139396530-T-G.
Other names: short protein forms N1799H.
Identifiers: ClinVar variation 1747244 (VCV001747244.2), dbSNP rs2133330140, ClinGen allele CA375640167.
Genomic context (GRCh38, chr9:136,502,078, plus strand): 5'-CCAGGTCCTCGTCCCCCCACTCATTCTGGTTGTCGTCCATGAGGGCACCGTCTGAAGCGT[T>G]CTTCAGGGGCCTGGGGGGTGAGGGGTCGAGAAGTGAGGCTGAGCGAGCTCCCTAGGAAGC-3'
Protein context (NP_060087.3, residues 1789-1809): EDSVGLKPLK[Asn1799His]ASDGALMDDN

ClinVar aggregate classification (germline): Uncertain significance (1 of 4 stars; one submission).

Conditions:
Familial thoracic aortic aneurysm and aortic dissection (TAAD). Also called: Thoracic aortic aneurysms and dissections. Identifiers: Orphanet 91387, MedGen C4707243, MONDO:0019625.

Submission:

Ambry Genetics
Classification: Uncertain significance for Familial thoracic aortic aneurysm and aortic dissection. Last evaluated: 2018-03-19. Review status: criteria provided, single submitter. Criteria: Ambry Variant Classification Scheme 2023. Collection method: clinical testing. Allele origin: germline.
Comment: The p.N1799H variant (also known as c.5395A>C), located in coding exon 29 of the NOTCH1 gene, results from an A to C substitution at nucleotide position 5395. The asparagine at codon 1799 is replaced by histidine, an amino acid with similar properties. This amino acid position is highly conserved in available vertebrate species. In addition, this alteration is predicted to be tolerated by in silico analysis. Since supporting evidence is limited at this time, the clinical significance of this alteration remains unclear.